The following is an entry in ClinVar:

NM_017617.5(NOTCH1):c.5160C>T (p.Ala1720=)

Gene: NOTCH1 (notch receptor 1; minus strand). Cytogenetic location: 9q34.3.
Variant type: single nucleotide variant.
Coding change: c.5160C>T on transcript NM_017617.5 (MANE Select); coding-DNA position 5160, C replaced by T.
Protein change: p.Ala1720=; no amino-acid change (alanine 1720 retained).
Molecular consequence: synonymous variant.
Genome position (GRCh38, 1-based): chr9:136,503,189, G>A on the plus strand (C>T on the coding strand, the complement: NOTCH1 is on the minus strand). VCF-style: chr9-136503189-G-A. GRCh37 (hg19) VCF-style: chr9-139397641-G-A.
Other names: c.5160C>T, p.Ala1720= (LRG_1122t1).
Identifiers: ClinVar variation 512003 (VCV000512003.11), dbSNP rs780625273, ClinGen allele CA5340433.
Genomic context (GRCh38, chr9:136,503,189, plus strand): 5'-GGGATGGCACCCCCTGCAGGCAGAGCCTGTTCCCGGGATGGGGCCACACTTACTCTGCAC[G>A]GCCTCGATCTTGTAGGGGATGTTGAGGCTGCCCAGCGAGGCGAGCGCTCCCAGGAATGCG-3'
Protein context (NP_060087.3, residues 1710-1730): GSLNIPYKIE[Ala1720=]VQSETVEPPP

ClinVar aggregate classification (germline): Likely benign. Review status: criteria provided, multiple submitters, no conflicts (2 of 4 stars). 5 submissions from 4 submitters: Likely benign (5). Last evaluated 2025-09-21.

Conditions:
Familial thoracic aortic aneurysm and aortic dissection (TAAD). Also called: Thoracic aortic aneurysms and dissections. Identifiers: Orphanet 91387, MedGen C4707243, MONDO:0019625.
Aortic valve disease 1 (AOVD1). Identifiers: MedGen C3887892, MONDO:0024523, OMIM 109730.
Adams-Oliver syndrome 5 (AOS5). Identifiers: Orphanet 974, MedGen C4014970, MONDO:0014459, OMIM 616028.

Allele frequency attached by ClinVar (database versions not stated): ExAC 0.00001; gnomAD 0.00001; gnomAD exomes 0.00001 and 0.00002; TOPMed 0.00001.
gnomAD v4.1: 10 of 1,612,674 alleles (0.00062%); highest among the groups gnomAD compares: Admixed American, 0.005%; no homozygotes.

Submissions (5):

Ambry Genetics
Classification: Likely benign for Familial thoracic aortic aneurysm and aortic dissection. Last evaluated: 2025-09-21. Review status: criteria provided, single submitter. Criteria: Ambry Variant Classification Scheme 2023. Collection method: clinical testing. Allele origin: germline.

Genome-Nilou Lab
Classification: Likely benign for Adams-Oliver syndrome 5. Last evaluated: 2022-03-15. Review status: criteria provided, single submitter. Criteria: ACMG Guidelines, 2015. Collection method: clinical testing. Allele origin: germline. Affected: no.

Genome-Nilou Lab
Classification: Likely benign for Aortic valve disease 1. Last evaluated: 2022-03-15. Review status: criteria provided, single submitter. Criteria: ACMG Guidelines, 2015. Collection method: clinical testing. Allele origin: germline. Affected: no.

Labcorp Genetics (formerly Invitae), Labcorp
Classification: Likely benign for Adams-Oliver syndrome 5. Last evaluated: 2019-03-22. Review status: criteria provided, single submitter. Criteria: Invitae Variant Classification Sherloc (09022015). Collection method: clinical testing. Allele origin: germline.

GeneDx
Classification: Likely benign. Last evaluated: 2017-09-12. Review status: criteria provided, single submitter. Criteria: GeneDx Variant Classification (06012015). Collection method: clinical testing. Allele origin: germline. Affected: yes.
Comment: This variant is considered likely benign or benign based on one or more of the following criteria: it is a conservative change, it occurs at a poorly conserved position in the protein, it is predicted to be benign by multiple in silico algorithms, and/or has population frequency not consistent with disease.